The following is an entry in ClinVar:

NM_000135.4(FANCA):c.1654G>A (p.Glu552Lys)

Gene: FANCA (FA complementation group A; minus strand). Cytogenetic location: 16q24.3.
Variant type: single nucleotide variant.
Coding change: c.1654G>A on transcript NM_000135.4 (MANE Select); coding-DNA position 1654, G replaced by A.
Protein change: p.Glu552Lys; replaces glutamic acid 552 with lysine.
Molecular consequence: missense variant.
Genome position (GRCh38, 1-based): chr16:89,779,930, C>T on the plus strand (G>A on the coding strand, the complement: FANCA is on the minus strand). VCF-style: chr16-89779930-C-T. GRCh37 (hg19) VCF-style: chr16-89846338-C-T.
Other names: c.1654G>A, p.Glu552Lys (NM_001286167.3); short protein forms E552K.
Identifiers: ClinVar variation 1031415 (VCV001031415.5), dbSNP rs1012809189, ClinGen allele CA286575457.

ClinVar aggregate classification (germline): Uncertain significance. Review status: criteria provided, multiple submitters, no conflicts (2 of 4 stars). 4 submissions from 4 submitters: Uncertain significance (4). Last evaluated 2024-11-20.

Conditions:
Inborn genetic diseases. Identifiers: MedGen C0950123, MeSH D030342.
Fanconi anemia (FA). Also called: Fanconi's anemia. Identifiers: Orphanet 84, MedGen C0015625, MeSH D005199, MONDO:0019391.
Fanconi anemia complementation group A (FANCA). Also called: Fanconi anemia, group A; FANCA-Related Fanconi Anemia. Identifiers: Orphanet 84, MedGen C3469521, MONDO:0009215, OMIM 227650.

Allele frequency attached by ClinVar (database versions not stated): gnomAD 0.00001; TOPMed 0.00002.
gnomAD v4.1: 1 of 1,614,094 alleles (0.000062%); highest among the groups gnomAD compares: African/African-American, 0.0013%; no homozygotes.

Submissions (4):

Ambry Genetics
Classification: Uncertain significance for Inborn genetic diseases. Last evaluated: 2024-11-20. Review status: criteria provided, single submitter. Criteria: Ambry Variant Classification Scheme 2023. Collection method: clinical testing. Allele origin: germline.
Comment: The p.E552K variant (also known as c.1654G>A), located in coding exon 18 of the FANCA gene, results from a G to A substitution at nucleotide position 1654. The glutamic acid at codon 552 is replaced by lysine, an amino acid with similar properties. This amino acid position is conserved. In addition, the in silico prediction for this alteration is inconclusive. Based on the available evidence, the clinical significance of this variant remains unclear.

Labcorp Genetics (formerly Invitae), Labcorp
Classification: Uncertain significance for Fanconi anemia. Last evaluated: 2022-01-17. Review status: criteria provided, single submitter. Criteria: Invitae Variant Classification Sherloc (09022015). Collection method: clinical testing. Allele origin: germline.
Comment: This sequence change replaces glutamic acid, which is acidic and polar, with lysine, which is basic and polar, at codon 552 of the FANCA protein (p.Glu552Lys). This variant is not present in population databases (gnomAD no frequency). This variant has not been reported in the literature in individuals affected with FANCA-related conditions. ClinVar contains an entry for this variant (Variation ID: 1031415). Advanced modeling of protein sequence and biophysical properties (such as structural, functional, and spatial information, amino acid conservation, physicochemical variation, residue mobility, and thermodynamic stability) performed at Invitae indicates that this missense variant is not expected to disrupt FANCA protein function. In summary, the available evidence is currently insufficient to determine the role of this variant in disease. Therefore, it has been classified as a Variant of Uncertain Significance.

Fulgent Genetics
Classification: Uncertain significance for Fanconi anemia complementation group A. Last evaluated: 2022-01-05. Review status: criteria provided, single submitter. Criteria: ACMG Guidelines, 2015. Collection method: clinical testing. Allele origin: unknown.

Baylor Genetics
Classification: Uncertain significance for Fanconi anemia complementation group A. Last evaluated: 2018-04-09. Review status: criteria provided, single submitter. Criteria: ACMG Guidelines, 2015. Collection method: clinical testing. Allele origin: unknown. Affected: yes.
Comment: This variant was determined to be of uncertain significance according to ACMG Guidelines, 2015 [PMID:25741868].